The following is an entry in ClinVar:

ClinVar aggregate classification (germline): Conflicting classifications of pathogenicity. Review status: criteria provided, conflicting classifications (1 of 4 stars). 2 submissions from 2 submitters: Uncertain significance (1); Benign (1). Last evaluated 2026-09-10.

Conditions:
Developmental and epileptic encephalopathy, 14 (DEE14). Also called: Early infantile epileptic encephalopathy 14. Identifiers: Orphanet 293181, MedGen C3554195, MONDO:0013989, OMIM 614959.
Inborn genetic diseases. Identifiers: MedGen C0950123, MeSH D030342.

gnomAD v4.1: 4 of 1,613,922 alleles (0.00025%); highest among the groups gnomAD compares: Non-Finnish European, 0.00034%; no homozygotes.

Submissions (2):

Ambry Genetics
Classification: Uncertain significance for Inborn genetic diseases. Last evaluated: 2026-09-10. Review status: criteria provided, single submitter. Criteria: Ambry Variant Classification Scheme 2023. Collection method: clinical testing. Allele origin: germline.

Labcorp Genetics (formerly Invitae), Labcorp
Classification: Benign. Last evaluated: 2022-08-09. Review status: criteria provided, single submitter. Criteria: Invitae Variant Classification Sherloc (09022015). Collection method: clinical testing. Allele origin: germline.

NM_001205293.3(CACNA1E):c.5067C>G (p.Asn1689Lys)

Gene: CACNA1E (calcium voltage-gated channel subunit alpha1 E; plus strand). Cytogenetic location: 1q25.3.
Variant type: single nucleotide variant.
Coding change: c.5067C>G on transcript NM_001205293.3 (MANE Select); coding-DNA position 5067, C replaced by G.
Protein change: p.Asn1689Lys; replaces asparagine 1689 with lysine.
Molecular consequence: missense variant.
Genome position (GRCh38, 1-based): chr1:181,772,159, C>G. VCF-style: chr1-181772159-C-G. GRCh37 (hg19) VCF-style: chr1-181741295-C-G.
Other names: c.5067C>G, p.Asn1689Lys (NM_000721.4); c.5010C>G, p.Asn1670Lys (NM_001205294.2); c.5067C>G (NM_000721.3, NM_001205293.1); short protein forms N1670K, N1689K.
Identifiers: ClinVar variation 1628962 (VCV001628962.10), dbSNP rs377382446, ClinGen allele CA343628166.